The following is an entry in ClinVar:

NM_000128.4(F11):c.403G>T (p.Glu135Ter)

Gene: F11 (coagulation factor XI; plus strand). Cytogenetic location: 4q35.2.
Variant type: single nucleotide variant.
Coding change: c.403G>T on transcript NM_000128.4 (MANE Select); coding-DNA position 403, G replaced by T.
Protein change: p.Glu135Ter; replaces glutamic acid 135 with a stop codon.
Molecular consequence: nonsense.
Genome position (GRCh38, 1-based): chr4:186,274,193, G>T. VCF-style: chr4-186274193-G-T. GRCh37 (hg19) VCF-style: chr4-187195347-G-T.
Other names: F11, GLU117TER; E117*; E117X; p.Glu135*; p.Glu135Ter; c.403G>T, p.Glu135Ter (NM_001354804.2); short protein forms E135*.
Identifiers: ClinVar variation 11891 (VCV000011891.102), dbSNP rs121965063, ClinGen allele CA121745.

ClinVar aggregate classification (germline): Pathogenic. Review status: criteria provided, multiple submitters, no conflicts (2 of 4 stars). 35 submissions from 35 submitters: Pathogenic (30). 5 of the submissions do not count toward it. Last evaluated 2026-10-13.

Conditions:
F11-related disorder. Also called: F11-related condition.
F11-related disorders.
Bleeding and platelet disorders.
Factor XI deficiency. Identifiers: MedGen C4321502, MONDO:0020587.
Plasma factor XI deficiency.
Inborn genetic diseases. Identifiers: MedGen C0950123, MeSH D030342.
Hereditary factor XI deficiency disease. Also called: Congenital factor XI deficiency; PLASMA THROMBOPLASTIN ANTECEDENT DEFICIENCY; PTA DEFICIENCY; ROSENTHAL SYNDROME. Identifiers: Orphanet 329, MedGen C0015523, MeSH D005173, MONDO:0012897, OMIM 612416.
Thrombocytopenia. Identifiers: MedGen C0040034, MeSH D013921, MONDO:0002049, HP:0001873.
Abnormal bleeding. Also called: Bleeding diathesis. Identifiers: MedGen C1458140, HP:0001892.

Allele frequency attached by ClinVar (database versions not stated): gnomAD exomes 0.00046 and 0.00093; TOPMed 0.00057; gnomAD 0.00064 and 0.00066; ExAC 0.00078.
gnomAD v4.1: 833 of 1,614,080 alleles (0.052%); highest among the groups gnomAD compares: Middle Eastern, 0.082%; 7 homozygotes.

Submissions 1 to 12 of 35:

GeneDx
Classification: Pathogenic. Last evaluated: 2026-10-13. Review status: criteria provided, single submitter. Criteria: GeneDx Variant Classification Process June 2021. Collection method: clinical testing. Allele origin: germline.
Comment: Published functional studies demonstrate that cells transfected with a vector containing the E135X variant do not generate protein (PMID: 15026311); Nonsense variant predicted to result in protein truncation or nonsense mediated decay in a gene for which loss of function is a known mechanism of disease; This variant is associated with the following publications: (PMID: 25333069, 22975760, 27723456, 15140127, 30431218, 29467123, 31064749, 33527515, 30712878, 29138690, 26558335, 16835901, 29178608, 31364091, 31447099, 31624327, 32935436, 31589614, 32581362, 31345219, 2813350, 37647632, 36964972, 15026311)

Department of Pediatrics, Duzce University
Classification: Pathogenic for Hereditary factor XI deficiency disease. Last evaluated: 2026-07-12. Review status: criteria provided, single submitter. Criteria: ACMG Guidelines, 2015. Collection method: research. Allele origin: germline. Inheritance: Autosomal recessive inheritance. Affected: yes. Observed: 1 variant allele, 1 homozygote.
Comment: Homozygous. ClinVar VarID 11891 (Pathogenic). Recurrent 'type II' nonsense (Iraqi-Jewish/Arab; also Turkish FXI cohorts).

North West Genomic Laboratory Hub, Manchester University NHS Foundation Trust
Classification: Pathogenic for Factor XI deficiency; Bleeding and platelet disorders. Last evaluated: 2026-03-19. Review status: criteria provided, single submitter. Criteria: ACGS Best Practice Guidelines for Variant Classification in Rare Disease 2024. Collection method: clinical testing. Allele origin: germline. Affected: yes.
Comment: PVS1_VStr PM3_VStr PP4_Mod PS3_Supp

PreventionGenetics, part of Exact Sciences
Classification: Pathogenic for F11-related condition. Last evaluated: 2026-03-19. Review status: criteria provided, single submitter. Criteria: ACMG Guidelines, 2015. Collection method: clinical testing. Allele origin: germline.
Comment: The F11 c.403G>T variant is predicted to result in premature protein termination (p.Glu135*). This variant, referred to as Type II Mutation and p.Glu117* using legacy nomenclature, is found frequently in Ashkenazi Jewish populations and has been reported previously to be causative for Hemophilia C (Asakai et al. 1991. PubMed ID: 2052060; Asakai et al. 1989. PubMed ID: 2813350; Kravtsov et al. 2004. PubMed ID: 15026311). Factor XI deficiency is primarily an autosomal recessive disorder. Clinical presentation varies from asymptomatic to mild bleeding in patients heterozygous for the c.403G>T (p.Glu135*) variant (Gomez and Bolton-Maggs. 2008. PubMed ID: 18312365). Nonsense variants in F11 are expected to be pathogenic. This variant is interpreted as pathogenic.

Dasa
Classification: Pathogenic. Last evaluated: 2026-01-26. Review status: criteria provided, single submitter. Criteria: DASA Assertion Criteria. Collection method: clinical testing. Allele origin: germline.
Comment: NM_000128.4(F11):c.403G>T (p.Glu135*) introduces a premature stop codon predicted to result in truncated protein. Loss-of-function is an established mechanism of disease for this gene. The variant has been reported in individuals with factor XI deficiency and is present at low frequency in population datasets. Based on the available data, this variant is classified as pathogenic.

Labcorp Genetics (formerly Invitae), Labcorp
Classification: Pathogenic. Last evaluated: 2026-01-26. Review status: criteria provided, single submitter. Criteria: Invitae Variant Classification Sherloc (09022015). Collection method: clinical testing. Allele origin: germline.
Comment: This sequence change creates a premature translational stop signal (p.Glu135*) in the F11 gene. It is expected to result in an absent or disrupted protein product. Loss-of-function variants in F11 are known to be pathogenic (PMID: 23929304). This variant is present in population databases (rs121965063, gnomAD 1.8%), and has an allele count higher than expected for a pathogenic variant. This premature translational stop signal has been observed in individuals with Factor XI deficiency (PMID: 2813350, 15026311). This variant is also known as p.Glu117Stop. ClinVar contains an entry for this variant (Variation ID: 11891). For these reasons, this variant has been classified as Pathogenic.

Variantyx, Inc.
Classification: Pathogenic for Hereditary factor XI deficiency disease. Last evaluated: 2026-01-08. Review status: criteria provided, single submitter. Criteria: Variantyx Assertion Criteria 2022. Collection method: clinical testing. Allele origin: germline. Inheritance: Semidominant inheritance.
Comment: This is a nonsense variant in the F11 gene (OMIM: 264900). Pathogenic variants in this gene have been associated with autosomal semi-dominant factor XI deficiency. This variant introduces a premature termination codon in exon 5 out of 15 and is expected to result in loss of function, which is a known disease mechanism for F11 in this disorder (PMID: 20301578) (PVS1). It has been reported in the homozygous or compound heterozygous state in many unrelated affected individuals (PMID: 2813350, 29178608) (PM3), and is considered a founder variant in the Ashkenazi Jewish population (PMID: 2052060, 15140127, 16835901). This variant was reported in the heterozygous state as well, but functional assays have conflicting evidence regarding the possible pathogenic effect in the heterozygous state (PMID: 15026311). This variant has a 0.0214% maximum allele frequency in non-founder control populations. Based on the current evidence, this variant is classified as pathogenic for autosomal semi-dominant factor XI deficiency.

Natera, Inc.
Classification: Pathogenic for Plasma factor XI deficiency. Last evaluated: 2025-11-04. Review status: criteria provided, single submitter. Criteria: Natera Variant Classification Schema (03/2026). Collection method: clinical testing. Allele origin: germline.
Comment: The c.403G>T variant in F11 is a nonsense variant predicted to introduce a stop codon at amino acid 135. This variant is expected to result in nonsense mediated decay, truncation, or a dysfunctional protein product. The frequency of this variant in the general population is greater than expected for disorder. This variant has been observed in at least one unaffected individual, with a zygosity that is consistent with the inheritance pattern for the associated condition (in gnomAD and/or literature). This variant has been observed in one or more individuals affected with the associated recessive disease, as either homozygous or compound heterozygous with a second variant (PMID: 18758779, 19652879, 15140127). Given the available evidence, this variant is classified as Pathogenic.

First Genomix Gene Laboratory, Genetic Diagnostics Department
Classification: Pathogenic for Hereditary factor XI deficiency disease. Last evaluated: 2025-05-23. Review status: criteria provided, single submitter. Criteria: ACMG Guidelines, 2015. Collection method: clinical testing. Allele origin: germline. Inheritance: Autosomal recessive inheritance. Affected: no. Observed: 1 variant allele.

Revvity Omics, Revvity
Classification: Pathogenic for Hereditary factor XI deficiency disease. Last evaluated: 2025-04-08. Review status: criteria provided, single submitter. Criteria: ACMG Guidelines, 2015. Collection method: clinical testing. Allele origin: germline.

Center for Genomic Medicine, Rigshospitalet, Copenhagen University Hospital
Classification: Pathogenic. Last evaluated: 2025-03-04. Review status: criteria provided, single submitter. Criteria: ACMG Guidelines, 2015. Collection method: clinical testing. Allele origin: germline.

Cell Therapy Center, University of Jordan
Classification: Pathogenic for Hereditary factor XI deficiency disease. Last evaluated: 2024-12-01. Review status: criteria provided, single submitter. Criteria: ACMG Guidelines, 2015. Collection method: clinical testing. Allele origin: germline. Inheritance: Autosomal recessive inheritance. Affected: yes. Observed: 5 homozygotes. Clinical features observed: Prolonged partial thromboplastin time (HP:0003645), Reduced factor XI activity (HP:0001929).
Comment: The F11 c.403 G>T (p.Glu135*), is a nonsense variant classified as pathogenic according to ACMG Guidelines (2015). Giving very strong evidence of pathogenicity; PVS1 applies on top of classification since it is a null variant known to cause a premature stop codon leads to loss of function. It was discovered to be a founder effect in the Ashkenazi Jewish population. It had ClinVar (Variation ID 11891, VCV000011891.88). We confirmed this mutation in patients with severe factor XI deficiency from Jordanian Arab origin in homozygous state. PM3 applies since it was detected in trans (tested in parents and offspring for the patient) in a recessive manner.